The following is an entry in ClinVar:

ClinVar aggregate classification (germline): Pathogenic (1 of 4 stars; one submission).

Conditions:
Neurofibromatosis, type 2 (SWNV). Also called: NF2-Related Schwannomatosis; BILATERAL ACOUSTIC NEUROFIBROMATOSIS; SCHWANNOMATOSIS, VESTIBULAR. Identifiers: Orphanet 637, MedGen C0027832, MONDO:0007039, OMIM 101000. Disease mechanism: loss of function.

Submission:

Labcorp Genetics (formerly Invitae), Labcorp
Classification: Pathogenic for Neurofibromatosis, type 2. Last evaluated: 2018-04-12. Review status: criteria provided, single submitter. Criteria: Invitae Variant Classification Sherloc (09022015). Collection method: clinical testing. Allele origin: germline.
Comment: For these reasons, this variant has been classified as Pathogenic. Donor and acceptor splice site variants typically lead to a loss of protein function (PMID: 16199547), and loss-of-function variants in NF2 are known to be pathogenic (PMID: 9643284, 16983642). This variant has been observed in two families affected with neurofibromatosis 2 (PMID: 7913580, Invitae). This variant is not present in population databases (ExAC no frequency). This sequence change affects a donor splice site in intron 10 of the NF2 gene. It is expected to disrupt RNA splicing and likely results in an absent or disrupted protein product.

Literature cited by the submitters: PubMed 16199547; PubMed 9643284; PubMed 16983642; PubMed 7913580.

NM_000268.4(NF2):c.999+1G>A

Gene: NF2 (NF2, moesin-ezrin-radixin like (MERLIN) tumor suppressor; plus strand). Cytogenetic location: 22q12.2.
Variant type: single nucleotide variant.
Coding change: c.999+1G>A on transcript NM_000268.4 (MANE Select); the canonical splice donor site of the intron after coding-DNA position 999, G replaced by A.
Molecular consequence: splice donor variant. On other transcripts: intron variant (1).
Genome position (GRCh38, 1-based): chr22:29,668,447, G>A. VCF-style: chr22-29668447-G-A. GRCh37 (hg19) VCF-style: chr22-30064436-G-A.
Other names: c.999+1G>A (NM_016418.5, NM_181832.3, NM_001407060.1 and 2 more transcripts); c.885+1G>A (NM_001407056.1, NM_001407053.1); c.768+1G>A (NM_001407067.1); c.465+1G>A (NM_001407065.1); c.864+1G>A (NM_001407059.1, NM_001407057.1); c.447+26162G>A (NM_181833.3); c.876+1G>A (NM_001407058.1, NM_181829.3, NM_001407054.1); c.741+1G>A (NM_001407062.1); and 2 more.
Identifiers: ClinVar variation 583001 (VCV000583001.9), dbSNP rs1569302393, ClinGen allele CA411146223.